The following is an entry in ClinVar:

ClinVar aggregate classification (germline): Benign/Likely benign. Review status: criteria provided, single submitter (1 of 4 stars). 2 submissions from 1 submitter: Benign (1); Likely benign (1). Last evaluated 2018-01-13.

Conditions:
Age related macular degeneration 6. Identifiers: MedGen C3151060, MONDO:0013406, OMIM 613757.
Cone-rod dystrophy 11 (CORD11). Identifiers: Orphanet 1872, MedGen C1835865, MONDO:0012483, OMIM 610381.

Allele frequency attached by ClinVar (database versions not stated): TOPMed 0.00038; 1000 Genomes Project 30x 0.00047; gnomAD 0.00048; 1000 Genomes Project 0.00060; gnomAD exomes 0.00062 and 0.00074; ExAC 0.00188.
gnomAD v4.1: 259 of 451,868 alleles (0.057%); highest among the groups gnomAD compares: Middle Eastern, 0.13%; 1 homozygote.

Submissions (2):

Illumina Laboratory Services, Illumina
Classification: Likely benign for Age related macular degeneration 6. Last evaluated: 2018-01-13. Review status: criteria provided, single submitter. Criteria: ICSL Variant Classification Criteria 13 December 2019. Collection method: clinical testing. Allele origin: germline.
Comment: This variant was observed in the ICSL laboratory as part of a predisposition screen in an ostensibly healthy population. It had not been previously curated by ICSL or reported in the Human Gene Mutation Database (HGMD: prior to June 1st, 2018), and was therefore a candidate for classification through an automated scoring system. Utilizing variant allele frequency, disease prevalence and penetrance estimates, and inheritance mode, an automated score was calculated to assess if this variant is too frequent to cause the disease. Based on the score and internal cut-off values, a variant classified as likely benign is not then subjected to further curation. The score for this variant resulted in a classification of likely benign for this disease.

Illumina Laboratory Services, Illumina
Classification: Benign for Cone-rod dystrophy 11. Last evaluated: 2018-01-13. Review status: criteria provided, single submitter. Criteria: ICSL Variant Classification Criteria 13 December 2019. Collection method: clinical testing. Allele origin: germline.
Comment: This variant was observed in the ICSL laboratory as part of a predisposition screen in an ostensibly healthy population. It had not been previously curated by ICSL or reported in the Human Gene Mutation Database (HGMD: prior to June 1st, 2018), and was therefore a candidate for classification through an automated scoring system. Utilizing variant allele frequency, disease prevalence and penetrance estimates, and inheritance mode, an automated score was calculated to assess if this variant is too frequent to cause the disease. Based on the score and internal cut-off values, a variant classified as benign is not then subjected to further curation. The score for this variant resulted in a classification of benign for this disease.

NM_001319074.4(RAX2):c.-316G>A

Gene: RAX2 (retina and anterior neural fold homeobox 2; minus strand). Cytogenetic location: 19p13.3.
Variant type: single nucleotide variant.
Coding change: c.-316G>A on transcript NM_001319074.4 (MANE Select); 316 bases upstream of the start codon, G replaced by A.
Molecular consequence: 5 prime UTR variant.
Genome position (GRCh38, 1-based): chr19:3,772,210, C>T on the plus strand (G>A on the coding strand, the complement: RAX2 is on the minus strand). VCF-style: chr19-3772210-C-T. GRCh37 (hg19) VCF-style: chr19-3772208-C-T.
Other names: c.-57G>A (NM_032753.4).
Identifiers: ClinVar variation 328977 (VCV000328977.5), dbSNP rs576680324, ClinGen allele CA9085195.